The following is an entry in ClinVar:

NM_006218.4(PIK3CA):c.2852G>A (p.Arg951His)

Gene: PIK3CA (phosphatidylinositol-4,5-bisphosphate 3-kinase catalytic subunit alpha; plus strand). Cytogenetic location: 3q26.32.
Variant type: single nucleotide variant.
Coding change: c.2852G>A on transcript NM_006218.4 (MANE Select); coding-DNA position 2852, G replaced by A.
Protein change: p.Arg951His; replaces arginine 951 with histidine.
Molecular consequence: missense variant.
Genome position (GRCh38, 1-based): chr3:179,230,292, G>A. VCF-style: chr3-179230292-G-A. GRCh37 (hg19) VCF-style: chr3-178948080-G-A.
Other names: short protein forms R951H.
Identifiers: ClinVar variation 1306646 (VCV001306646.2), dbSNP rs2108425041, ClinGen allele CA355281295.
Genomic context (GRCh38, chr3:179,230,292, plus strand): 5'-ATATAGATTTTGGACACTTTTTGGATCACAAGAAGAAAAAATTTGGTTATAAACGAGAAC[G>A]TGTGCCATTTGTTTTGACACAGGATTTCTTAATAGTGATTAGTAAAGGAGCCCAAGAATG-3'
Protein context (NP_006209.2, residues 941-961): KKKKFGYKRE[Arg951His]VPFVLTQDFL

ClinVar aggregate classification (germline): Uncertain significance (1 of 4 stars; one submission).

Submission:

GeneDx
Classification: Uncertain significance. Last evaluated: 2019-07-01. Review status: criteria provided, single submitter. Criteria: GeneDx Variant Classification Process June 2021. Collection method: clinical testing. Allele origin: germline. Affected: yes.
Comment: Not observed in large population cohorts (Lek et al., 2016); In silico analysis, which includes protein predictors and evolutionary conservation, supports a deleterious effect; Has not been previously published as pathogenic or benign to our knowledge